The following is an entry in ClinVar:

NM_004990.4(MARS1):c.2161G>A (p.Val721Met)

Gene: MARS1 (methionyl-tRNA synthetase 1; plus strand). Cytogenetic location: 12q13.3.
Variant type: single nucleotide variant.
Coding change: c.2161G>A on transcript NM_004990.4 (MANE Select); coding-DNA position 2161, G replaced by A.
Protein change: p.Val721Met; replaces valine 721 with methionine.
Molecular consequence: missense variant.
Genome position (GRCh38, 1-based): chr12:57,515,015, G>A. VCF-style: chr12-57515015-G-A. GRCh37 (hg19) VCF-style: chr12-57908798-G-A.
Other names: short protein forms V721M.
Identifiers: ClinVar variation 2200022 (VCV002200022.4), dbSNP rs1398823090, ClinGen allele CA385465473.

ClinVar aggregate classification (germline): Uncertain significance (1 of 4 stars; one submission).

Conditions:
Severe early-onset pulmonary alveolar proteinosis due to MARS deficiency. Also called: PULMONARY ALVEOLAR PROTEINOSIS, REUNION ISLAND; Interstitial lung and liver disease. Identifiers: Orphanet 440427, MedGen C4225400, MONDO:0014206, OMIM 615486.
Charcot-Marie-Tooth disease axonal type 2U. Also called: CHARCOT-MARIE-TOOTH DISEASE, AXONAL, AUTOSOMAL DOMINANT, TYPE 2U; CHARCOT-MARIE-TOOTH NEUROPATHY, TYPE 2U. Identifiers: Orphanet 397735, MedGen C4084821, MONDO:0014566, OMIM 616280.

Allele frequency attached by ClinVar (database versions not stated): TOPMed below 0.00001; gnomAD 0.00001; gnomAD exomes 0.00001.
gnomAD v4.1: 13 of 1,614,048 alleles (0.00081%); highest among the groups gnomAD compares: African/African-American, 0.0013%; no homozygotes.

Submission:

Labcorp Genetics (formerly Invitae), Labcorp
Classification: Uncertain significance for Charcot-Marie-Tooth disease axonal type 2U; Severe early-onset pulmonary alveolar proteinosis due to MARS deficiency. Last evaluated: 2022-10-07. Review status: criteria provided, single submitter. Criteria: Invitae Variant Classification Sherloc (09022015). Collection method: clinical testing. Allele origin: germline.
Comment: This sequence change replaces valine, which is neutral and non-polar, with methionine, which is neutral and non-polar, at codon 721 of the MARS protein (p.Val721Met). This variant is not present in population databases (gnomAD no frequency). This variant has not been reported in the literature in individuals affected with MARS-related conditions. Algorithms developed to predict the effect of missense changes on protein structure and function are either unavailable or do not agree on the potential impact of this missense change (SIFT: "Tolerated"; PolyPhen-2: "Possibly Damaging"; Align-GVGD: "Class C0"). Algorithms developed to predict the effect of sequence changes on RNA splicing suggest that this variant may disrupt the consensus splice site. In summary, the available evidence is currently insufficient to determine the role of this variant in disease. Therefore, it has been classified as a Variant of Uncertain Significance.